The following is an entry in ClinVar:

NM_001378454.1(ALMS1):c.2555C>T (p.Ala852Val)

Gene: ALMS1 (ALMS1 centrosome and basal body associated protein; plus strand). Cytogenetic location: 2p13.1.
Variant type: single nucleotide variant.
Coding change: c.2555C>T on transcript NM_001378454.1 (MANE Select); coding-DNA position 2555, C replaced by T.
Protein change: p.Ala852Val; replaces alanine 852 with valine.
Molecular consequence: missense variant.
Genome position (GRCh38, 1-based): chr2:73,449,082, C>T. VCF-style: chr2-73449082-C-T. GRCh37 (hg19) VCF-style: chr2-73676209-C-T.
Other names: c.2558C>T, p.Ala853Val (NM_015120.4); short protein forms A853V, A852V.
Identifiers: ClinVar variation 1793034 (VCV001793034.5), dbSNP rs770885524, ClinGen allele CA1713378.
Genomic context (GRCh38, chr2:73,449,082, plus strand): 5'-AAGAGGCTCTGAAAGTTTCAGCTGTTTCTGGACCAGCTGACGGAAAGACTGGGACACCAG[C>T]TGTAACCTCTACTTCCTCTGCGTCCTCTTCACTTGGAGAAAAGCCCAGTGCTTTCTATCA-3'
Protein context (NP_001365383.1, residues 842-862): GPADGKTGTP[Ala852Val]VTSTSSASSS

ClinVar aggregate classification (germline): Conflicting classifications of pathogenicity. Review status: criteria provided, conflicting classifications (1 of 4 stars). 3 submissions from 3 submitters: Uncertain significance (2); Likely benign (1). Last evaluated 2023-12-12.

Conditions:
Alstrom syndrome (ALMS). Identifiers: Orphanet 64, MedGen C0268425, MONDO:0008763, OMIM 203800.
Cardiovascular phenotype. Identifiers: MedGen CN230736.

Allele frequency attached by ClinVar (database versions not stated): ExAC 0.00001; gnomAD 0.00001; gnomAD exomes 0.00001; TOPMed 0.00003.
gnomAD v4.1: 6 of 1,614,022 alleles (0.00037%); highest among the groups gnomAD compares: East Asian, 0.0045%; no homozygotes.

Submissions (3):

Ambry Genetics
Classification: Likely benign for Cardiovascular phenotype. Last evaluated: 2023-12-12. Review status: criteria provided, single submitter. Criteria: Ambry Variant Classification Scheme 2023. Collection method: clinical testing. Allele origin: germline.

Women's Health and Genetics/Laboratory Corporation of America, LabCorp
Classification: Uncertain significance. Last evaluated: 2023-08-19. Review status: criteria provided, single submitter. Criteria: LabCorp Variant Classification Summary - May 2015. Collection method: clinical testing. Allele origin: germline.

Labcorp Genetics (formerly Invitae), Labcorp
Classification: Uncertain significance for Alstrom syndrome. Last evaluated: 2022-03-26. Review status: criteria provided, single submitter. Criteria: Invitae Variant Classification Sherloc (09022015). Collection method: clinical testing. Allele origin: germline.
Comment: This sequence change replaces alanine, which is neutral and non-polar, with valine, which is neutral and non-polar, at codon 853 of the ALMS1 protein (p.Ala853Val). This variant is present in population databases (rs770885524, gnomAD 0.01%). This variant has not been reported in the literature in individuals affected with ALMS1-related conditions. Experimental studies and prediction algorithms are not available or were not evaluated, and the functional significance of this variant is currently unknown. In summary, the available evidence is currently insufficient to determine the role of this variant in disease. Therefore, it has been classified as a Variant of Uncertain Significance.

Literature cited by the submitters: PubMed 26496393 (cited by Ambry Genetics).